The following is an entry in ClinVar:

NM_001384732.1(CPLANE1):c.8432C>T (p.Ala2811Val)

Gene: CPLANE1 (ciliogenesis and planar polarity effector complex subunit 1; minus strand). Cytogenetic location: 5p13.2.
Variant type: single nucleotide variant.
Coding change: c.8432C>T on transcript NM_001384732.1 (MANE Select); coding-DNA position 8432, C replaced by T.
Protein change: p.Ala2811Val; replaces alanine 2811 with valine.
Molecular consequence: missense variant.
Genome position (GRCh38, 1-based): chr5:37,148,210, G>A on the plus strand (C>T on the coding strand, the complement: CPLANE1 is on the minus strand). VCF-style: chr5-37148210-G-A. GRCh37 (hg19) VCF-style: chr5-37148312-G-A.
Other names: c.8270C>T, p.Ala2757Val (NM_023073.4); short protein forms A2757V, A2811V.
Identifiers: ClinVar variation 1383261 (VCV001383261.7), dbSNP rs140657139, ClinGen allele CA3237789.

ClinVar aggregate classification (germline): Uncertain significance. Review status: criteria provided, multiple submitters, no conflicts (2 of 4 stars). 2 submissions from 2 submitters: Uncertain significance (2). Last evaluated 2024-11-13.

Conditions:
Joubert syndrome 17 (JBTS17). Identifiers: Orphanet 475, MedGen C3553264, MONDO:0013824, OMIM 614615.
Orofaciodigital syndrome type 6 (OFD6). Also called: OROFACIODIGITAL SYNDROME VI; OFDS VI; POLYDACTYLY, CLEFT LIP/PALATE OR LINGUAL LUMP, AND PSYCHOMOTOR RETARDATION; VARADI SYNDROME; VARADI-PAPP SYNDROME; Oral-facial-digital syndrome type 6. Identifiers: Orphanet 2754, MedGen C2745997, MONDO:0010176, OMIM 277170.

Allele frequency attached by ClinVar (database versions not stated): ExAC 0.00003; gnomAD 0.00003; TOPMed 0.00003; gnomAD exomes 0.00004 and 0.00005; ESP Exome Variant Server 0.00023.
gnomAD v4.1: 85 of 1,612,892 alleles (0.0053%); highest among the groups gnomAD compares: East Asian, 0.027%; no homozygotes.

Submissions (2):

Labcorp Genetics (formerly Invitae), Labcorp
Classification: Uncertain significance. Last evaluated: 2024-11-13. Review status: criteria provided, single submitter. Criteria: Invitae Variant Classification Sherloc (09022015). Collection method: clinical testing. Allele origin: germline.
Comment: This sequence change replaces alanine, which is neutral and non-polar, with valine, which is neutral and non-polar, at codon 2757 of the CPLANE1 protein (p.Ala2757Val). This variant is present in population databases (rs140657139, gnomAD 0.03%). This variant has not been reported in the literature in individuals affected with CPLANE1-related conditions. ClinVar contains an entry for this variant (Variation ID: 1383261). Invitae Evidence Modeling of protein sequence and biophysical properties (such as structural, functional, and spatial information, amino acid conservation, physicochemical variation, residue mobility, and thermodynamic stability) indicates that this missense variant is not expected to disrupt CPLANE1 protein function with a negative predictive value of 95%. In summary, the available evidence is currently insufficient to determine the role of this variant in disease. Therefore, it has been classified as a Variant of Uncertain Significance.

Fulgent Genetics
Classification: Uncertain significance for Orofaciodigital syndrome type 6; Joubert syndrome 17. Last evaluated: 2024-05-28. Review status: criteria provided, single submitter. Criteria: ACMG Guidelines, 2015. Collection method: clinical testing. Allele origin: germline.